The following is an entry in ClinVar:

ClinVar aggregate classification (germline): Benign/Likely benign. Review status: criteria provided, multiple submitters, no conflicts (2 of 4 stars). 3 submissions from 3 submitters: Benign (1); Likely benign (2). Last evaluated 2025-01-27.

Conditions:
Hereditary nonpolyposis colorectal neoplasms. Identifiers: MedGen C0009405, MeSH D003123.
Hereditary cancer-predisposing syndrome. Also called: Hereditary Cancer Syndrome; Hereditary neoplastic syndrome; Neoplastic Syndromes, Hereditary; Tumor predisposition. Identifiers: Orphanet 140162, MedGen C0027672, MeSH D009386, MONDO:0015356.
Lynch syndrome 4 (LYNCH4). Also called: Hereditary non-polyposis colorectal cancer, type 4; Colorectal cancer, hereditary nonpolyposis, type 4. Identifiers: Orphanet 144, MedGen C1838333, MONDO:0013699, OMIM 614337. Disease mechanism: loss of function.

Submissions (3):

Myriad Genetics, Inc.
Classification: Benign for Lynch syndrome 4. Last evaluated: 2025-01-27. Review status: criteria provided, single submitter. Criteria: Myriad Autosomal Dominant, Autosomal Recessive and X-Linked Classification Criteria (2023). Collection method: clinical testing. Allele origin: unknown.
Comment: This variant is considered benign. This variant is a silent/synonymous amino acid change and it is not expected to impact splicing.

Labcorp Genetics (formerly Invitae), Labcorp
Classification: Likely benign for Hereditary nonpolyposis colorectal neoplasms. Last evaluated: 2024-11-20. Review status: criteria provided, single submitter. Criteria: Invitae Variant Classification Sherloc (09022015). Collection method: clinical testing. Allele origin: germline.

Ambry Genetics
Classification: Likely benign for Hereditary cancer-predisposing syndrome. Last evaluated: 2019-02-25. Review status: criteria provided, single submitter. Criteria: Ambry Variant Classification Scheme 2023. Collection method: clinical testing. Allele origin: germline.

NM_000535.7(PMS2):c.465C>T (p.Thr155=)

Gene: PMS2 (PMS1 homolog 2, mismatch repair system component; minus strand). Cytogenetic location: 7p22.1.
Variant type: single nucleotide variant.
Coding change: c.465C>T on transcript NM_000535.7 (MANE Select); coding-DNA position 465, C replaced by T.
Protein change: p.Thr155=; no amino-acid change (threonine 155 retained).
Molecular consequence: synonymous variant. On other transcripts: 5 prime UTR variant (2), non-coding transcript variant (1), intron variant (1).
Genome position (GRCh38, 1-based): chr7:6,002,525, G>A on the plus strand (C>T on the coding strand, the complement: PMS2 is on the minus strand). VCF-style: chr7-6002525-G-A. GRCh37 (hg19) VCF-style: chr7-6042156-G-A.
Other names: c.60C>T, p.Thr20= (NM_001322010.2, NM_001322013.2, NM_001406887.1 and 25 more transcripts); c.-420C>T (NM_001322011.2, NM_001322012.2); c.465C>T, p.Thr155= (NM_001322014.2, NM_001406869.1, NM_001406870.1 and 8 more transcripts); c.156C>T, p.Thr52= (NM_001322015.2, NM_001406875.1, NM_001406877.1 and 6 more transcripts); c.651C>T, p.Thr217= (NM_001406866.1); c.489C>T, p.Thr163= (NM_001406868.1); c.147C>T, p.Thr49= (NM_001406876.1, NM_001406883.1, NM_001406901.1 and 4 more transcripts); c.250+1447C>T (NM_001406885.1).
Identifiers: ClinVar variation 1742231 (VCV001742231.8), dbSNP rs863224369, ClinGen allele CA453647638.